The following is an entry in ClinVar:

NM_003590.5(CUL3):c.590_593del (p.Gly197fs)

Gene: CUL3 (cullin 3; minus strand). Cytogenetic location: 2q36.2.
Variant type: Microsatellite.
Coding change: c.590_593del on transcript NM_003590.5 (MANE Select); coding-DNA positions 590 to 593, 4 bases deleted (GAAG; older notation c.590_593delGAAG).
Protein change: p.Gly197fs; shifts the reading frame from glycine 197.
Molecular consequence: frameshift variant.
Genome position (GRCh38, 1-based): chr2:224,513,585-224,513,588, CTTC deleted on the plus strand (GAAG on the coding strand, the reverse complement: CUL3 is on the minus strand); deleting any 4 consecutive bases within chr2:224,513,585-224,513,592 gives the same sequence; the c. name uses the placement nearest the transcript's 3' end. VCF-style (leftmost placement, unchanged base first): chr2-224513584-TCTTC-T. GRCh37 (hg19) VCF-style: chr2-225378301-TCTTC-T.
Other names: c.392_395del, p.Gly131fs (NM_001257197.2); c.608_611del, p.Gly203fs (NM_001257198.2); short protein forms G131fs, G197fs, G203fs.
Identifiers: ClinVar variation 2630569 (VCV002630569.1), dbSNP rs2470001056, ClinGen allele CA658776185.

ClinVar aggregate classification (germline): Pathogenic (1 of 4 stars; one submission).

Conditions:
CUL3-related disorder. Also called: CUL3-related condition; CUL3-related disorders.

Submission:

PreventionGenetics, part of Exact Sciences
Classification: Pathogenic for CUL3-related condition. Last evaluated: 2023-03-20. Review status: criteria provided, single submitter. Criteria: ACMG Guidelines, 2015. Collection method: clinical testing. Allele origin: germline.
Comment: The CUL3 c.590_593delGAAG variant is predicted to result in a frameshift and premature protein termination (p.Gly197Aspfs*28). This variant was reported in two unrelated individuals with autism spectrum disorder (Table S5 Yuen et al 2017. PubMed ID: 28263302; Table S5 Wang T et al 2020. PubMed ID: 33004838). This variant has not been reported in a large population database, indicating this variant is rare. Frameshift variants in CUL3 are expected to be pathogenic. This variant is interpreted as pathogenic.